The following is an entry in ClinVar:

ClinVar aggregate classification (germline): Uncertain significance (1 of 4 stars; one submission).

Conditions:
Intellectual developmental disorder, autosomal dominant 6, with or without seizures. Also called: Intellectual disability, autosomal dominant 6; GRIN2B-related developmental delay, intellectual disability and autism spectrum disorder. Identifiers: Orphanet 589547, MedGen C3151411, MONDO:0013509, OMIM 613970.
Developmental and epileptic encephalopathy, 27 (DEE27). Also called: GRIN2B-Related Neurodevelopmental Disorder; Epileptic encephalopathy, early infantile, 27. Identifiers: Orphanet 3451, MedGen C4015316, MONDO:0014505, OMIM 616139.

Submission:

Labcorp Genetics (formerly Invitae), Labcorp
Classification: Uncertain significance for Developmental and epileptic encephalopathy, 27; Intellectual developmental disorder, autosomal dominant 6, with or without seizures. Last evaluated: 2018-11-21. Review status: criteria provided, single submitter. Criteria: Invitae Variant Classification Sherloc (09022015). Collection method: clinical testing. Allele origin: germline.
Comment: In summary, the available evidence is currently insufficient to determine the role of this variant in disease. Therefore, it has been classified as a Variant of Uncertain Significance. Algorithms developed to predict the effect of missense changes on protein structure and function are either unavailable or do not agree on the potential impact of this missense change (SIFT: "Deleterious"; PolyPhen-2: "Probably Damaging"; Align-GVGD: "Class C0"). This variant has not been reported in the literature in individuals with GRIN2B-related disease. This variant is not present in population databases (ExAC no frequency). This sequence change replaces leucine with proline at codon 726 of the GRIN2B protein (p.Leu726Pro). The leucine residue is highly conserved and there is a moderate physicochemical difference between leucine and proline.

NM_000834.5(GRIN2B):c.2177T>C (p.Leu726Pro)

Gene: GRIN2B (glutamate ionotropic receptor NMDA type subunit 2B; minus strand). Cytogenetic location: 12p13.1.
Variant type: single nucleotide variant.
Coding change: c.2177T>C on transcript NM_000834.5 (MANE Select); coding-DNA position 2177, T replaced by C.
Protein change: p.Leu726Pro; replaces leucine 726 with proline.
Molecular consequence: missense variant.
Genome position (GRCh38, 1-based): chr12:13,570,012, A>G on the plus strand (T>C on the coding strand, the complement: GRIN2B is on the minus strand). VCF-style: chr12-13570012-A-G. GRCh37 (hg19) VCF-style: chr12-13722946-A-G.
Other names: short protein forms L726P.
Identifiers: ClinVar variation 640579 (VCV000640579.9), dbSNP rs1591611012, ClinGen allele CA383998358.